The following is an entry in ClinVar:

ClinVar aggregate classification (germline): Pathogenic (1 of 4 stars; one submission).

Conditions:
Cholestanol storage disease (CTX). Also called: CEREBRAL CHOLESTERINOSIS; CTX: Cerebrotendinous xanthomatosis; Cerebrotendinous Xanthomatosis. Identifiers: Orphanet 909, MedGen C0238052, MONDO:0008948, OMIM 213700.

Submission:

Labcorp Genetics (formerly Invitae), Labcorp
Classification: Pathogenic for Cholestanol storage disease. Last evaluated: 2023-12-29. Review status: criteria provided, single submitter. Criteria: Invitae Variant Classification Sherloc (09022015). Collection method: clinical testing. Allele origin: germline.
Comment: This sequence change creates a premature translational stop signal (p.Ala16Glyfs*165) in the CYP27A1 gene. It is expected to result in an absent or disrupted protein product. Loss-of-function variants in CYP27A1 are known to be pathogenic (PMID: 9392430, 10775536, 26937392). This variant is present in population databases (no rsID available, gnomAD 0.002%). This variant has not been reported in the literature in individuals affected with CYP27A1-related conditions. ClinVar contains an entry for this variant (Variation ID: 1076506). For these reasons, this variant has been classified as Pathogenic.

Literature cited by the submitters: PubMed 9392430; PubMed 10775536; PubMed 26937392.

NM_000784.4(CYP27A1):c.46dup (p.Ala16fs)

Gene: CYP27A1 (cytochrome P450 family 27 subfamily A member 1; plus strand). Cytogenetic location: 2q35.
Variant type: Duplication.
Coding change: c.46dup on transcript NM_000784.4 (MANE Select); coding-DNA position 46, one base duplicated (G; older notation c.46dupG).
Protein change: p.Ala16fs; shifts the reading frame from alanine 16.
Molecular consequence: frameshift variant.
Genome position (GRCh38, 1-based): chr2:218,782,228, G duplicated; the last of 4 consecutive G bases (chr2:218,782,225-218,782,228); duplicating any one gives the same sequence. VCF-style (leftmost placement, unchanged base first): chr2-218782224-A-AG. GRCh37 (hg19) VCF-style: chr2-219646947-A-AG.
Other names: short protein forms A16fs.
Identifiers: ClinVar variation 1076506 (VCV001076506.7), dbSNP rs1413976755, ClinGen allele CA539840499.
Genomic context (GRCh38, chr2:218,782,224, plus strand): 5'-AGGCGCGCGAGCACAACCCATGGCTGCGCTGGGCTGCGCGAGGCTGAGGTGGGCGCTGCG[A>AG]GGGGCCGGCCGTGGCCTCTGCCCCCACGGGGCCAGAGCCAAGGCCGCGATCCCTGCCGCC-3'